The following is an entry in ClinVar:

ClinVar aggregate classification (germline): Likely benign (1 of 4 stars; one submission).

Allele frequency attached by ClinVar (database versions not stated): gnomAD exomes below 0.00001; gnomAD 0.00001; TOPMed 0.00001.

Submission:

CeGaT Center for Human Genetics Tuebingen
Classification: Likely benign. Last evaluated: 2023-09-01. Review status: criteria provided, single submitter. Criteria: CeGaT Center For Human Genetics Tuebingen Variant Classification Criteria Version 2. Collection method: clinical testing. Allele origin: germline. Affected: yes. Observed: 1 variant allele.
Comment: ARHGAP4: PM2:Supporting, BP4, BP7

NM_001666.5(ARHGAP4):c.997C>T (p.Leu333=)

Gene: ARHGAP4 (Rho GTPase activating protein 4; minus strand). Cytogenetic location: Xq28.
Variant type: single nucleotide variant.
Coding change: c.997C>T on transcript NM_001666.5 (MANE Select); coding-DNA position 997, C replaced by T.
Protein change: p.Leu333=; no amino-acid change (leucine 333 retained).
Molecular consequence: synonymous variant.
Genome position (GRCh38, 1-based): chrX:153,918,867, G>A on the plus strand (C>T on the coding strand, the complement: ARHGAP4 is on the minus strand). VCF-style: chrX-153918867-G-A. GRCh37 (hg19) VCF-style: chrX-153184321-G-A.
Other names: c.1117C>T, p.Leu373= (NM_001164741.2).
Identifiers: ClinVar variation 2661757 (VCV002661757.24), dbSNP rs1036492982, ClinGen allele CA337270901.